The following is an entry in ClinVar:

ClinVar aggregate classification (germline): Uncertain significance (1 of 4 stars; one submission).

Conditions:
Charcot-Marie-Tooth disease axonal type 2C (HMSN2C). Also called: CHARCOT-MARIE-TOOTH DISEASE, AXONAL, AUTOSOMAL DOMINANT, TYPE 2C; Charcot-Marie-Tooth Neuropathy Type 2C; Charcot-Marie-Tooth Disease Type 2, TRPV4-Related (CMT2C). Identifiers: Orphanet 99937, MedGen C1853710, MONDO:0011633, OMIM 606071.

Submission:

Labcorp Genetics (formerly Invitae), Labcorp
Classification: Uncertain significance for Charcot-Marie-Tooth disease axonal type 2C. Last evaluated: 2023-02-18. Review status: criteria provided, single submitter. Criteria: Invitae Variant Classification Sherloc (09022015). Collection method: clinical testing. Allele origin: germline.
Comment: In summary, the available evidence is currently insufficient to determine the role of this variant in disease. Therefore, it has been classified as a Variant of Uncertain Significance. This variant is not present in population databases (gnomAD no frequency). This variant has not been reported in the literature in individuals affected with TRPV4-related conditions. Algorithms developed to predict the effect of sequence changes on RNA splicing suggest that this variant may disrupt the consensus splice site. This sequence change falls in intron 13 of the TRPV4 gene. It does not directly change the encoded amino acid sequence of the TRPV4 protein.

NM_021625.5(TRPV4):c.2209-13_2209-5dup

Gene: TRPV4 (transient receptor potential cation channel subfamily V member 4; minus strand). Cytogenetic location: 12q24.11.
Variant type: Duplication.
Coding change: c.2209-13_2209-5dup on transcript NM_021625.5 (MANE Select); 13 bases into the intron before coding-DNA position 2209 through 5 bases into the intron before coding-DNA position 2209, 9 bases duplicated (TCCCTCCCC; older notation c.2209-13_2209-5dupTCCCTCCCC).
Molecular consequence: intron variant.
Genome position (GRCh38, 1-based): chr12:109,786,842-109,786,850, GGGGAGGGA duplicated on the plus strand (TCCCTCCCC on the coding strand, the reverse complement: TRPV4 is on the minus strand); duplicating any 9 consecutive bases within chr12:109,786,842-109,786,853 gives the same sequence; the c. name uses the placement nearest the transcript's 3' end. VCF-style (leftmost placement, unchanged base first): chr12-109786841-C-CGGGGAGGGA. GRCh37 (hg19) VCF-style: chr12-110224646-C-CGGGGAGGGA.
Other names: c.1888-13_1888-5dup (NM_001177433.1); c.2068-13_2068-5dup (NM_001177428.1); c.2029-13_2029-5dup (NM_147204.2); c.2107-13_2107-5dup (NM_001177431.1).
Identifiers: ClinVar variation 3018146 (VCV003018146.3), dbSNP rs2548714346, ClinGen allele CA2740092603.